The following is an entry in ClinVar:

ClinVar aggregate classification (germline): Uncertain significance (1 of 4 stars; one submission).

Conditions:
Hypertrophic cardiomyopathy 14. Identifiers: MedGen C2750467, MONDO:0013197, OMIM 613251.

gnomAD v4.1: 3 of 1,614,168 alleles (0.00019%); highest among the groups gnomAD compares: South Asian, 0.0011%; no homozygotes.

Submission:

Labcorp Genetics (formerly Invitae), Labcorp
Classification: Uncertain significance for Hypertrophic cardiomyopathy 14. Last evaluated: 2025-04-13. Review status: criteria provided, single submitter. Criteria: Invitae Variant Classification Sherloc (09022015). Collection method: clinical testing. Allele origin: germline.
Comment: This sequence change affects codon 67 of the MYH6 mRNA. It is a 'silent' change, meaning that it does not change the encoded amino acid sequence of the MYH6 protein. This variant also falls at the last nucleotide of exon 3, which is part of the consensus splice site for this exon. This variant is present in population databases (rs757559746, gnomAD 0.0009%). This variant has not been reported in the literature in individuals affected with MYH6-related conditions. ClinVar contains an entry for this variant (Variation ID: 3702013). Variants that disrupt the consensus splice site are a relatively common cause of aberrant splicing (PMID: 17576681, 9536098). Algorithms developed to predict the effect of sequence changes on RNA splicing suggest that this variant is not likely to affect RNA splicing. In summary, the available evidence is currently insufficient to determine the role of this variant in disease. Therefore, it has been classified as a Variant of Uncertain Significance.

Literature cited by the submitters: PubMed 17576681; PubMed 9536098.

NM_002471.4(MYH6):c.201G>A (p.Lys67=)

Genes: MYH6 (myosin heavy chain 6; minus strand), LOC114827851 (VISTA enhancer hs2155; plus strand). Cytogenetic location: 14q11.2.
Variant type: single nucleotide variant.
Coding change: c.201G>A on transcript NM_002471.4 (MANE Select); coding-DNA position 201, G replaced by A.
Protein change: p.Lys67=; no amino-acid change (lysine 67 retained).
Molecular consequence: synonymous variant.
Genome position (GRCh38, 1-based): chr14:23,407,023, C>T on the plus strand (G>A on the coding strand, the complement: MYH6 is on the minus strand). VCF-style: chr14-23407023-C-T. GRCh37 (hg19) VCF-style: chr14-23876232-C-T.
Identifiers: ClinVar variation 3702013 (VCV003702013.2).